The following is an entry in ClinVar:

ClinVar aggregate classification (germline): Pathogenic (1 of 4 stars; one submission).

Conditions:
Hyperinsulinism due to HNF1A deficiency. Identifiers: Orphanet 324575, MedGen C4303475, MONDO:0017935.

Submission:

Seattle Children's Hospital Molecular Genetics Laboratory, Seattle Children's Hospital
Classification: Pathogenic for Hyperinsulinism due to HNF1A deficiency. Last evaluated: 2019-12-13. Review status: criteria provided, single submitter. Criteria: ACMG Guidelines, 2015. Collection method: clinical testing. Allele origin: germline. Affected: yes.
Comment: The duplication of a single nucleotide in the first exon of HNF4A introduces a premature stop codon (p.Tyr16*). This variant is predicted to result in a loss of gene function. This is a novel duplication that has not been reported in the medical literature or in clinical databases. This variant has not been observed in presumably healthy controls in the Genome Aggregation Database. While this variant appears to be novel, a different sequence change that also results in p.Tyr16* (c.48C>G), as well as other nonsense variants in HNF4A, have been described in several individuals with congenital hyperinsulinism (PMID: 20164212, PMID: 17407387, PMID: 23348805 and others).

NM_175914.5(HNF4A):c.47dup (p.Tyr16Ter)

Gene: HNF4A (hepatocyte nuclear factor 4 alpha; plus strand). Cytogenetic location: 20q13.12.
Variant type: Duplication.
Coding change: c.47dup on transcript NM_175914.5 (MANE Select); coding-DNA position 47, one base duplicated (A; older notation c.47dupA).
Protein change: p.Tyr16Ter; replaces tyrosine 16 with a stop codon.
Molecular consequence: nonsense. On other transcripts: 5 prime UTR variant (3).
Genome position (GRCh38, 1-based): chr20:44,355,851, A duplicated. VCF-style (leftmost placement, unchanged base first): chr20-44355850-T-TA. GRCh37 (hg19) VCF-style: chr20-42984490-T-TA.
Other names: c.47dup, p.Tyr16Ter (NM_001030003.3, NM_001030004.3); c.-185dup (NM_001287182.2, NM_001287183.2, NM_001287184.2); short protein forms Y16*.
Identifiers: ClinVar variation 1691373 (VCV001691373.2), dbSNP rs2146127847, ClinGen allele CA2573157136.